The following is an entry in ClinVar:

ClinVar aggregate classification (germline): Uncertain significance. Review status: criteria provided, multiple submitters, no conflicts (2 of 4 stars). 2 submissions from 2 submitters: Uncertain significance (2). Last evaluated 2024-06-18.

Conditions:
Inborn genetic diseases. Identifiers: MedGen C0950123, MeSH D030342.

Allele frequency attached by ClinVar (database versions not stated): gnomAD 0.00001; gnomAD exomes 0.00003; TOPMed 0.00003; ExAC 0.00012.
gnomAD v4.1: 48 of 1,613,190 alleles (0.003%); highest among the groups gnomAD compares: Admixed American, 0.005%; no homozygotes.

Submissions (2):

Ambry Genetics
Classification: Uncertain significance for Inborn genetic diseases. Last evaluated: 2024-06-18. Review status: criteria provided, single submitter. Criteria: Ambry Variant Classification Scheme 2023. Collection method: clinical testing. Allele origin: germline.

Labcorp Genetics (formerly Invitae), Labcorp
Classification: Uncertain significance. Last evaluated: 2022-07-15. Review status: criteria provided, single submitter. Criteria: Invitae Variant Classification Sherloc (09022015). Collection method: clinical testing. Allele origin: germline.
Comment: This sequence change replaces arginine, which is basic and polar, with glutamine, which is neutral and polar, at codon 197 of the DBR1 protein (p.Arg197Gln). This variant is present in population databases (rs774430703, gnomAD 0.01%). This variant has not been reported in the literature in individuals affected with DBR1-related conditions. Algorithms developed to predict the effect of missense changes on protein structure and function (SIFT, PolyPhen-2, Align-GVGD) all suggest that this variant is likely to be tolerated. In summary, the available evidence is currently insufficient to determine the role of this variant in disease. Therefore, it has been classified as a Variant of Uncertain Significance.

NM_016216.4(DBR1):c.590G>A (p.Arg197Gln)

Gene: DBR1 (debranching RNA lariats 1; minus strand). Cytogenetic location: 3q22.3.
Variant type: single nucleotide variant.
Coding change: c.590G>A on transcript NM_016216.4 (MANE Select); coding-DNA position 590, G replaced by A.
Protein change: p.Arg197Gln; replaces arginine 197 with glutamine.
Molecular consequence: missense variant.
Genome position (GRCh38, 1-based): chr3:138,167,205, C>T on the plus strand (G>A on the coding strand, the complement: DBR1 is on the minus strand). VCF-style: chr3-138167205-C-T. GRCh37 (hg19) VCF-style: chr3-137886047-C-T.
Other names: c.590G>A (NM_016216.3); short protein forms R197Q.
Identifiers: ClinVar variation 2037715 (VCV002037715.2), dbSNP rs774430703, ClinGen allele CA2635833.